The following is an entry in ClinVar:

NM_000350.3(ABCA4):c.6287A>G (p.Glu2096Gly)

Gene: ABCA4 (ATP binding cassette subfamily A member 4; minus strand). Cytogenetic location: 1p22.1.
Variant type: single nucleotide variant.
Coding change: c.6287A>G on transcript NM_000350.3 (MANE Select); coding-DNA position 6287, A replaced by G.
Protein change: p.Glu2096Gly; replaces glutamic acid 2096 with glycine.
Molecular consequence: missense variant.
Genome position (GRCh38, 1-based): chr1:94,001,101, T>C on the plus strand (A>G on the coding strand, the complement: ABCA4 is on the minus strand). VCF-style: chr1-94001101-T-C. GRCh37 (hg19) VCF-style: chr1-94466657-T-C.
Other names: c.6065A>G, p.Glu2022Gly (NM_001425324.1); short protein forms E2096G, E2022G.
Identifiers: ClinVar variation 2151881 (VCV002151881.7), dbSNP rs2523625058, ClinGen allele CA341277627.

ClinVar aggregate classification (germline): Pathogenic/Likely pathogenic. Review status: criteria provided, multiple submitters, no conflicts (2 of 4 stars). 4 submissions from 4 submitters: Pathogenic (1); Likely pathogenic (3). Last evaluated 2025-07-10.

Conditions:
ABCA4-related disorder. Also called: ABCA4-related condition; ABCA4-related disorders. Identifiers: MedGen CN239167.
Retinal dystrophy. Also called: Inherited retinal dystrophy. Identifiers: Orphanet 71862, MedGen C0854723, MeSH D058499, MONDO:0019118, HP:0000556.

Submissions (4):

3billion
Classification: Likely pathogenic for ABCA4-related disorder. Last evaluated: 2025-07-10. Review status: criteria provided, single submitter. Criteria: ACMG Guidelines, 2015. Collection method: clinical testing. Allele origin: germline. Affected: yes.
Comment: The variant is not observed in the gnomAD v4.1.0 dataset. Predicted Consequence/Location: Missense variant In silico tool predictions suggest damaging effect of the variant on gene or gene product [REVEL: 0.98 (>=0.6, sensitivity 0.68 and specificity 0.92); 3Cnet: 0.97 (> 0.75, sensitivity 0.96 and precision 0.92)]. The same nucleotide change resulting in the same amino acid change has been previously reported as pathogenic/likely pathogenic with strong evidence (ClinVar ID: VCV002151881 /PMID: 25474345). Different missense changes at the same codon (p.Glu2096Asp, p.Glu2096Lys, p.Glu2096Val) have been reported as pathogenic/likely pathogenic with strong evidence (ClinVar ID: VCV000099445, VCV000843110, VCV001348162 /PMID: 25474345, 9973280 /3billion dataset). Therefore, this variant is classified as Likely pathogenic according to the recommendation of ACMG/AMP guideline.

Institute of Human Genetics, Univ. Regensburg, Univ. Regensburg
Classification: Likely pathogenic for Retinal dystrophy. Last evaluated: 2023-01-01. Review status: criteria provided, single submitter. Criteria: ACMG Guidelines, 2015. Collection method: clinical testing. Allele origin: germline. Affected: yes.

Labcorp Genetics (formerly Invitae), Labcorp
Classification: Pathogenic. Last evaluated: 2022-11-24. Review status: criteria provided, single submitter. Criteria: Invitae Variant Classification Sherloc (09022015). Collection method: clinical testing. Allele origin: germline.
Comment: This sequence change replaces glutamic acid, which is acidic and polar, with glycine, which is neutral and non-polar, at codon 2096 of the ABCA4 protein (p.Glu2096Gly). This variant is not present in population databases (gnomAD no frequency). This missense change has been observed in individual(s) with Stargardt disease (PMID: 25474345). Advanced modeling of protein sequence and biophysical properties (such as structural, functional, and spatial information, amino acid conservation, physicochemical variation, residue mobility, and thermodynamic stability) performed at Invitae indicates that this missense variant is expected to disrupt ABCA4 protein function. This variant disrupts the pGlu2096 amino acid residue in ABCA4. Other variant(s) that disrupt this residue have been determined to be pathogenic (PMID: 11017087, 11726554, 29925512, 33691693). This suggests that this residue is clinically significant, and that variants that disrupt this residue are likely to be disease-causing. For these reasons, this variant has been classified as Pathogenic.

Blueprint Genetics
Classification: Likely pathogenic for ABCA4-related disorders. Last evaluated: 2022-02-08. Review status: criteria provided, single submitter. Criteria: ACMG Guidelines, 2015. Collection method: clinical testing. Allele origin: germline. Affected: yes. Observed: 5 variant alleles.

Literature cited by the submitters: PubMed 25474345 (cited by 3 submitters); PubMed 11017087 (cited by Labcorp Genetics (formerly Invitae), Labcorp); PubMed 11726554 (cited by Labcorp Genetics (formerly Invitae), Labcorp); PubMed 29925512 (cited by Labcorp Genetics (formerly Invitae), Labcorp); PubMed 33691693 (cited by Labcorp Genetics (formerly Invitae), Labcorp).